The following is an entry in ClinVar:

NM_004304.5(ALK):c.3233A>G (p.Tyr1078Cys)

Gene: ALK (ALK receptor tyrosine kinase; minus strand). Cytogenetic location: 2p23.2.
Variant type: single nucleotide variant.
Coding change: c.3233A>G on transcript NM_004304.5 (MANE Select); coding-DNA position 3233, A replaced by G.
Protein change: p.Tyr1078Cys; replaces tyrosine 1078 with cysteine.
Molecular consequence: missense variant.
Genome position (GRCh38, 1-based): chr2:29,223,468, T>C on the plus strand (A>G on the coding strand, the complement: ALK is on the minus strand). VCF-style: chr2-29223468-T-C. GRCh37 (hg19) VCF-style: chr2-29446334-T-C.
Other names: c.29A>G, p.Tyr10Cys (NM_001353765.2); short protein forms Y1078C, Y10C.
Identifiers: ClinVar variation 404344 (VCV000404344.13), dbSNP rs912992612, ClinGen allele CA16610729.

ClinVar aggregate classification (germline): Uncertain significance. Review status: criteria provided, multiple submitters, no conflicts (2 of 4 stars). 3 submissions from 3 submitters: Uncertain significance (3). Last evaluated 2025-12-16.

Conditions:
Hereditary cancer-predisposing syndrome. Also called: Tumor predisposition; Neoplastic Syndromes, Hereditary; Hereditary Cancer Syndrome; Hereditary neoplastic syndrome. Identifiers: Orphanet 140162, MedGen C0027672, MeSH D009386, MONDO:0015356.
Neuroblastoma, susceptibility to, 3. Also called: ALK-Related Neuroblastic Tumor Susceptibility. Identifiers: Orphanet 635, MedGen C2751681, MONDO:0013083, OMIM 613014.

Allele frequency attached by ClinVar (database versions not stated): gnomAD exomes below 0.00001; TOPMed below 0.00001; gnomAD 0.00001.
gnomAD v4.1: 2 of 1,614,070 alleles (0.00012%); highest among the groups gnomAD compares: Non-Finnish European, 0.00017%; no homozygotes.

Submissions (3):

Labcorp Genetics (formerly Invitae), Labcorp
Classification: Uncertain significance for Neuroblastoma, susceptibility to, 3. Last evaluated: 2025-12-16. Review status: criteria provided, single submitter. Criteria: Invitae Variant Classification Sherloc (09022015). Collection method: clinical testing. Allele origin: germline.
Comment: This sequence change replaces tyrosine, which is neutral and polar, with cysteine, which is neutral and slightly polar, at codon 1078 of the ALK protein (p.Tyr1078Cys). This variant is present in population databases (no rsID available, gnomAD 0.0009%). This variant has not been reported in the literature in individuals affected with ALK-related conditions. ClinVar contains an entry for this variant (Variation ID: 404344). An algorithm developed to predict the effect of missense changes on protein structure and function (PolyPhen-2) suggests that this variant is likely to be disruptive. In summary, the available evidence is currently insufficient to determine the role of this variant in disease. Therefore, it has been classified as a Variant of Uncertain Significance.

Ambry Genetics
Classification: Uncertain significance for Hereditary cancer-predisposing syndrome. Last evaluated: 2024-12-06. Review status: criteria provided, single submitter. Criteria: Ambry Variant Classification Scheme 2023. Collection method: clinical testing. Allele origin: germline.
Comment: The p.Y1078C variant (also known as c.3233A>G), located in coding exon 20 of the ALK gene, results from an A to G substitution at nucleotide position 3233. The tyrosine at codon 1078 is replaced by cysteine, an amino acid with highly dissimilar properties. This amino acid position is conserved. In addition, the in silico prediction for this alteration is inconclusive. Since supporting evidence is limited at this time, the clinical significance of this alteration remains unclear.

GeneDx
Classification: Uncertain significance. Last evaluated: 2024-08-07. Review status: criteria provided, single submitter. Criteria: GeneDx Variant Classification Process June 2021. Collection method: clinical testing. Allele origin: germline. Affected: yes.
Comment: Not observed at significant frequency in large population cohorts (gnomAD); In silico analysis supports that this missense variant has a deleterious effect on protein structure/function; Has not been previously published as pathogenic or benign to our knowledge